The following is an entry in ClinVar:

NM_006892.4(DNMT3B):c.922-8C>T

Gene: DNMT3B (DNA methyltransferase 3 beta; plus strand). Cytogenetic location: 20q11.21.
Variant type: single nucleotide variant.
Coding change: c.922-8C>T on transcript NM_006892.4 (MANE Select); 8 bases into the intron before coding-DNA position 922, C replaced by T.
Molecular consequence: intron variant.
Genome position (GRCh38, 1-based): chr20:32,792,618, C>T. VCF-style: chr20-32792618-C-T. GRCh37 (hg19) VCF-style: chr20-31380424-C-T.
Other names: c.922-8C>T (NM_175848.2, NM_175849.2); c.796-8C>T (NM_001207055.2); c.694-8C>T (NM_001207056.2); c.958-8C>T (NM_175850.3).
Identifiers: ClinVar variation 338159 (VCV000338159.57), dbSNP rs200508870, ClinGen allele CA9810353.

ClinVar aggregate classification (germline): Conflicting classifications of pathogenicity. Review status: criteria provided, conflicting classifications (1 of 4 stars). 4 submissions from 4 submitters: Uncertain significance (1); Benign (1); Likely benign (2). Last evaluated 2026-09-01.

Conditions:
Centromeric instability of chromosomes 1,9 and 16 and immunodeficiency (ICF1). Also called: Immunodeficiency-centromeric instability-facial anomalies; CENTROMERIC INSTABILITY, IMMUNODEFICIENCY SYNDROME; IMMUNE DEFICIENCY, VARIABLE, WITH CENTROMERIC INSTABILITY OF CHROMOSOMES 1, 9, AND 16; IMMUNODEFICIENCY SYNDROME, VARIABLE. Identifiers: Orphanet 2268, MedGen C0398788, MONDO:0000133.
Immunodeficiency-centromeric instability-facial anomalies syndrome 1 (ICF1). Identifiers: Orphanet 2268, MedGen C4551557, MONDO:0009454, OMIM 242860.

Allele frequency attached by ClinVar (database versions not stated): 1000 Genomes Project 30x 0.00047; ExAC 0.00054; ESP Exome Variant Server 0.00054; gnomAD exomes 0.00054 and 0.00065; 1000 Genomes Project 0.00060; gnomAD 0.00072 and 0.00076; TOPMed 0.00098.
gnomAD v4.1: 915 of 1,614,206 alleles (0.057%); highest among the groups gnomAD compares: Admixed American, 0.27%; no homozygotes.

Submissions (4):

CeGaT Center for Human Genetics Tuebingen
Classification: Likely benign. Last evaluated: 2026-09-01. Review status: criteria provided, single submitter. Criteria: CeGaT Center For Human Genetics Tuebingen Variant Classification Criteria Version 2. Collection method: clinical testing. Allele origin: germline. Affected: yes. Observed: 3 variant alleles.
Comment: DNMT3B: BP4

Labcorp Genetics (formerly Invitae), Labcorp
Classification: Benign for Centromeric instability of chromosomes 1,9 and 16 and immunodeficiency. Last evaluated: 2026-01-28. Review status: criteria provided, single submitter. Criteria: Invitae Variant Classification Sherloc (09022015). Collection method: clinical testing. Allele origin: germline.

Blueprint Genetics
Classification: Likely benign. Last evaluated: 2024-11-28. Review status: criteria provided, single submitter. Criteria: ACMG Guidelines, 2015. Collection method: clinical testing. Allele origin: germline.

Illumina Laboratory Services, Illumina
Classification: Uncertain significance for Immunodeficiency-centromeric instability-facial anomalies syndrome 1. Last evaluated: 2018-01-13. Review status: criteria provided, single submitter. Criteria: ICSL Variant Classification Criteria 13 December 2019. Collection method: clinical testing. Allele origin: germline.